The following is an entry in ClinVar:

NM_000444.6(PHEX):c.1645+5G>A

Gene: PHEX (phosphate regulating endopeptidase X-linked; plus strand). Cytogenetic location: Xp22.11.
Variant type: single nucleotide variant.
Coding change: c.1645+5G>A on transcript NM_000444.6 (MANE Select); 5 bases into the intron after coding-DNA position 1645, G replaced by A.
Molecular consequence: intron variant.
Genome position (GRCh38, 1-based): chrX:22,190,507, G>A. VCF-style: chrX-22190507-G-A. GRCh37 (hg19) VCF-style: chrX-22208624-G-A.
Other names: c.1645+5G>A (NM_001282754.2).
Identifiers: ClinVar variation 951146 (VCV000951146.8), dbSNP rs1085307522, ClinGen allele CA1139667302.

ClinVar aggregate classification (germline): Pathogenic (1 of 4 stars; one submission).

Submission:

Labcorp Genetics (formerly Invitae), Labcorp
Classification: Pathogenic. Last evaluated: 2025-08-18. Review status: criteria provided, single submitter. Criteria: Invitae Variant Classification Sherloc (09022015). Collection method: clinical testing. Allele origin: germline.
Comment: This sequence change falls in intron 15 of the PHEX gene. It does not directly change the encoded amino acid sequence of the PHEX protein. It affects a nucleotide within the consensus splice site. This variant is not present in population databases (gnomAD no frequency). This variant has been observed in individual(s) with X-linked hypophosphatemia (PMID: 11502829, 30682568). It has also been observed to segregate with disease in related individuals. ClinVar contains an entry for this variant (Variation ID: 951146). Variants that disrupt the consensus splice site are a relatively common cause of aberrant splicing (PMID: 17576681, 9536098). Studies have shown that this variant alters mRNA splicing and is expected to lead to the loss of protein expression (PMID: 31102713). For these reasons, this variant has been classified as Pathogenic.

Literature cited by the submitters: PubMed 11502829; PubMed 30682568; PubMed 17576681; PubMed 9536098; PubMed 31102713.